The following is an entry in ClinVar:

NM_017934.7(PHIP):c.1381G>A (p.Val461Ile)

Gene: PHIP (PHIP subunit of CUL4-Ring ligase complex; minus strand). Cytogenetic location: 6q14.1.
Variant type: single nucleotide variant.
Coding change: c.1381G>A on transcript NM_017934.7 (MANE Select); coding-DNA position 1381, G replaced by A.
Protein change: p.Val461Ile; replaces valine 461 with isoleucine.
Molecular consequence: missense variant.
Genome position (GRCh38, 1-based): chr6:79,015,638, C>T on the plus strand (G>A on the coding strand, the complement: PHIP is on the minus strand). VCF-style: chr6-79015638-C-T. GRCh37 (hg19) VCF-style: chr6-79725355-C-T.
Other names: short protein forms V461I.
Identifiers: ClinVar variation 3682423 (VCV003682423.2).

ClinVar aggregate classification (germline): Uncertain significance (1 of 4 stars; one submission).

Submission:

Labcorp Genetics (formerly Invitae), Labcorp
Classification: Uncertain significance. Last evaluated: 2024-05-21. Review status: criteria provided, single submitter. Criteria: Invitae Variant Classification Sherloc (09022015). Collection method: clinical testing. Allele origin: germline.
Comment: This sequence change replaces valine, which is neutral and non-polar, with isoleucine, which is neutral and non-polar, at codon 461 of the PHIP protein (p.Val461Ile). This variant is not present in population databases (gnomAD no frequency). This variant has not been reported in the literature in individuals affected with PHIP-related conditions. Advanced modeling of protein sequence and biophysical properties (such as structural, functional, and spatial information, amino acid conservation, physicochemical variation, residue mobility, and thermodynamic stability) performed at Invitae indicates that this missense variant is not expected to disrupt PHIP protein function with a negative predictive value of 80%. In summary, the available evidence is currently insufficient to determine the role of this variant in disease. Therefore, it has been classified as a Variant of Uncertain Significance.